The following is an entry in ClinVar:

ClinVar aggregate classification (germline): Uncertain significance (1 of 4 stars; one submission).

Submission:

GeneDx
Classification: Uncertain significance. Last evaluated: 2024-10-14. Review status: criteria provided, single submitter. Criteria: GeneDx Variant Classification Process June 2021. Collection method: clinical testing. Allele origin: germline. Affected: yes.
Comment: In-frame deletion of 1 amino acid and insertion of 3 incorrect amino acids in a repetitive region with no known function; Not observed at significant frequency in large population cohorts (gnomAD); Has not been previously published as pathogenic or benign to our knowledge

NM_002968.3(SALL1):c.475delinsGGCGGCG (p.Ser159delinsGlyGlyGly)

Gene: SALL1 (spalt like transcription factor 1; minus strand). Cytogenetic location: 16q12.1.
Variant type: Indel.
Coding change: c.475delinsGGCGGCG on transcript NM_002968.3 (MANE Select); coding-DNA position 475, A replaced by GGCGGCG.
Protein change: p.Ser159delinsGlyGlyGly.
Molecular consequence: inframe indel.
Genome position (GRCh38, 1-based): chr16:51,141,747, T replaced by CGCCGCC on the plus strand (A replaced by GGCGGCG on the coding strand, the reverse complement: SALL1 is on the minus strand). VCF-style: chr16-51141747-T-CGCCGCC. GRCh37 (hg19) VCF-style: chr16-51175658-T-CGCCGCC.
Other names: c.184delinsGGCGGCG, p.Ser62delinsGlyGlyGly (NM_001127892.2); c.475delAinsGGCGGCG, p.Ser159delinsGlyGlyGly (NM_002968.2).
Identifiers: ClinVar variation 3777355 (VCV003777355.1).
Genomic context (GRCh38, chr16:51,141,747, plus strand): 5'-GTTGAGGTAGAGAGGTTGTGATCGCTGAGGTACCTGTGGAGGAGCTGCCGCCGCCGCCGC[T>CGCCGCC]GCTGCTGCTGCTGCTGCTGCTGCTGCTTGGGGCGGTACTGCTGTGGCTGCCGCTGGAAGT-3'